The following is an entry in ClinVar:

NM_002615.7(SERPINF1):c.644-4C>T

Gene: SERPINF1 (serpin family F member 1; plus strand). Cytogenetic location: 17p13.3.
Variant type: single nucleotide variant.
Coding change: c.644-4C>T on transcript NM_002615.7 (MANE Select); 4 bases into the intron before coding-DNA position 644, C replaced by T.
Molecular consequence: intron variant.
Genome position (GRCh38, 1-based): chr17:1,775,054, C>T. VCF-style: chr17-1775054-C-T. GRCh37 (hg19) VCF-style: chr17-1678348-C-T.
Other names: c.644-4C>T (NM_002615.6, NM_001329903.2); c.83-4C>T (NM_001329904.2, NM_001329905.2).
Identifiers: ClinVar variation 669732 (VCV000669732.15), dbSNP rs199977856, ClinGen allele CA8274789.
Genomic context (GRCh38, chr17:1,775,054, plus strand): 5'-CAGCATGGCGCCACTGTCTTTCTGGTCTCCTGGGGCTCAGACTATGTCATACACTTCTTT[C>T]CAGGGCAGTGGGTAACAAAGTTTGACTCCAGAAAGACTTCCCTCGAGGATTTCTACTTGG-3'

ClinVar aggregate classification (germline): Conflicting classifications of pathogenicity. Review status: criteria provided, conflicting classifications (1 of 4 stars). 5 submissions from 5 submitters: Uncertain significance (1); Likely benign (3). 1 of the submissions does not count toward it. Last evaluated 2026-01-11.

Conditions:
SERPINF1-related disorder. Also called: SERPINF1-related condition.
Osteogenesis imperfecta type 6. Also called: Osteogenesis imperfecta, type VI. Identifiers: Orphanet 666, MedGen C3279564, MONDO:0013515, OMIM 613982.

Allele frequency attached by ClinVar (database versions not stated): 1000 Genomes Project 30x 0.00016; 1000 Genomes Project 0.00020; ESP Exome Variant Server 0.00031; TOPMed 0.00034; gnomAD exomes 0.00041 and 0.00054; gnomAD 0.00048 and 0.00053; ExAC 0.00057.

Submissions (5):

Labcorp Genetics (formerly Invitae), Labcorp
Classification: Likely benign. Last evaluated: 2026-01-11. Review status: criteria provided, single submitter. Criteria: Invitae Variant Classification Sherloc (09022015). Collection method: clinical testing. Allele origin: germline.

Blueprint Genetics
Classification: Likely benign. Last evaluated: 2024-11-23. Review status: criteria provided, single submitter. Criteria: ACMG Guidelines, 2015. Collection method: clinical testing. Allele origin: germline.

GeneDx
Classification: Likely benign. Last evaluated: 2018-06-08. Review status: criteria provided, single submitter. Criteria: GeneDx Variant Classification (06012015). Collection method: clinical testing. Allele origin: germline. Affected: yes.
Comment: This variant is considered likely benign or benign based on one or more of the following criteria: it is a conservative change, it occurs at a poorly conserved position in the protein, it is predicted to be benign by multiple in silico algorithms, and/or has population frequency not consistent with disease.

Illumina Laboratory Services, Illumina
Classification: Uncertain significance for Osteogenesis imperfecta type 6. Last evaluated: 2018-01-12. Review status: criteria provided, single submitter. Criteria: ICSL Variant Classification Criteria 13 December 2019. Collection method: clinical testing. Allele origin: germline.

PreventionGenetics, part of Exact Sciences
Classification: Likely benign for SERPINF1-related condition. Last evaluated: 2024-09-19. Review status: no assertion criteria provided. Collection method: clinical testing. Allele origin: germline. Not counted in ClinVar's aggregate classification.
Comment: This variant is classified as likely benign based on ACMG/AMP sequence variant interpretation guidelines (Richards et al. 2015 PMID: 25741868, with internal and published modifications).